The following is an entry in ClinVar:

ClinVar aggregate classification (germline): Benign/Likely benign. Review status: criteria provided, multiple submitters, no conflicts (2 of 4 stars). 3 submissions from 3 submitters: Benign (1); Likely benign (2). Last evaluated 2026-01-24.

Allele frequency attached by ClinVar (database versions not stated): gnomAD 0.00001 and 0.00025; TOPMed 0.00004; gnomAD exomes 0.00037 and 0.00076; ExAC 0.00084; 1000 Genomes Project 30x 0.00141; 1000 Genomes Project 0.00160.
gnomAD v4.1: 558 of 1,567,558 alleles (0.036%); highest among the groups gnomAD compares: South Asian, 0.57%; 7 homozygotes.

Submissions (3):

Labcorp Genetics (formerly Invitae), Labcorp
Classification: Benign. Last evaluated: 2026-01-24. Review status: criteria provided, single submitter. Criteria: Invitae Variant Classification Sherloc (09022015). Collection method: clinical testing. Allele origin: germline.

Blueprint Genetics
Classification: Likely benign. Last evaluated: 2024-11-19. Review status: criteria provided, single submitter. Criteria: ACMG Guidelines, 2015. Collection method: clinical testing. Allele origin: germline.

GeneDx
Classification: Likely benign. Last evaluated: 2017-09-22. Review status: criteria provided, single submitter. Criteria: GeneDx Variant Classification (06012015). Collection method: clinical testing. Allele origin: germline. Affected: yes.
Comment: This variant is considered likely benign or benign based on one or more of the following criteria: it is a conservative change, it occurs at a poorly conserved position in the protein, it is predicted to be benign by multiple in silico algorithms, and/or has population frequency not consistent with disease.

NM_024996.7(GFM1):c.2071-20T>C

Gene: GFM1 (G elongation factor mitochondrial 1; plus strand). Cytogenetic location: 3q25.32.
Variant type: single nucleotide variant.
Coding change: c.2071-20T>C on transcript NM_024996.7 (MANE Select); 20 bases into the intron before coding-DNA position 2071, T replaced by C.
Molecular consequence: intron variant.
Genome position (GRCh38, 1-based): chr3:158,691,119, T>C. VCF-style: chr3-158691119-T-C. GRCh37 (hg19) VCF-style: chr3-158408908-T-C.
Other names: c.2128-20T>C (NM_001308164.2); c.1846-20T>C (NM_001374357.1); c.1990-20T>C (NM_001374355.1); c.1954-20T>C (NM_001374356.1); c.1504-20T>C (NM_001374359.1); c.1504-217T>C (NM_001374360.1); c.1387-20T>C (NM_001374361.1); c.1612-20T>C (NM_001374358.1).
Identifiers: ClinVar variation 511807 (VCV000511807.10), dbSNP rs531105833, ClinGen allele CA2683074.
Genomic context (GRCh38, chr3:158,691,119, plus strand): 5'-AAATGGCTAAAATGCGTCTGTATTTTTCTCAAATATTTTCCAATAAGCAGTGCTAAAATA[T>C]CTACTATGTTTGTTTTCAGGTCCCTCTAAATGATATGTTTGGTTATTCCACTGAACTTAG-3'